The following is an entry in ClinVar:

NM_003924.4(PHOX2B):c.820G>A (p.Ala274Thr)

Gene: PHOX2B (paired like homeobox 2B; minus strand). Cytogenetic location: 4p13.
Variant type: single nucleotide variant.
Coding change: c.820G>A on transcript NM_003924.4 (MANE Select); coding-DNA position 820, G replaced by A.
Protein change: p.Ala274Thr; replaces alanine 274 with threonine.
Molecular consequence: missense variant.
Genome position (GRCh38, 1-based): chr4:41,745,932, C>T on the plus strand (G>A on the coding strand, the complement: PHOX2B is on the minus strand). VCF-style: chr4-41745932-C-T. GRCh37 (hg19) VCF-style: chr4-41747949-C-T.
Other names: short protein forms A274T.
Identifiers: ClinVar variation 1413997 (VCV001413997.8), dbSNP rs2153112751, ClinGen allele CA356737075.

ClinVar aggregate classification (germline): Uncertain significance (1 of 4 stars; one submission).

Conditions:
Haddad syndrome (OHD). Also called: Ondine-Hirschsprung disease. Identifiers: Orphanet 99803, MedGen C1859049, MONDO:0020493.

Submission:

Labcorp Genetics (formerly Invitae), Labcorp
Classification: Uncertain significance for Haddad syndrome. Last evaluated: 2021-03-29. Review status: criteria provided, single submitter. Criteria: Invitae Variant Classification Sherloc (09022015). Collection method: clinical testing. Allele origin: germline.
Comment: This sequence change replaces alanine with threonine at codon 274 of the PHOX2B protein (p.Ala274Thr). The alanine residue is highly conserved and there is a small physicochemical difference between alanine and threonine. This variant is not present in population databases (ExAC no frequency). This variant has not been reported in the literature in individuals with PHOX2B-related conditions. Algorithms developed to predict the effect of missense changes on protein structure and function are either unavailable or do not agree on the potential impact of this missense change (SIFT: "Deleterious"; PolyPhen-2: "Not Available"; Align-GVGD: "Class C0"). In summary, the available evidence is currently insufficient to determine the role of this variant in disease. Therefore, it has been classified as a Variant of Uncertain Significance.